The following is an entry in ClinVar:

NM_001378120.1(MBD5):c.4390C>T (p.Pro1464Ser)

Gene: MBD5 (methyl-CpG binding domain protein 5; plus strand). Cytogenetic location: 2q23.1.
Variant type: single nucleotide variant.
Coding change: c.4390C>T on transcript NM_001378120.1 (MANE Select); coding-DNA position 4390, C replaced by T.
Protein change: p.Pro1464Ser; replaces proline 1464 with serine.
Molecular consequence: missense variant.
Genome position (GRCh38, 1-based): chr2:148,490,022, C>T. VCF-style: chr2-148490022-C-T. GRCh37 (hg19) VCF-style: chr2-149247591-C-T.
Other names: c.3691C>T, p.Pro1231Ser (NM_018328.5); short protein forms P1231S, P1464S.
Identifiers: ClinVar variation 2506612 (VCV002506612.4), dbSNP rs1459065101, ClinGen allele CA348729156.

ClinVar aggregate classification (germline): Uncertain significance. Review status: criteria provided, multiple submitters, no conflicts (2 of 4 stars). 2 submissions from 2 submitters: Uncertain significance (2). Last evaluated 2023-01-25.

Conditions:
Intellectual developmental disorder, autosomal dominant 1. Also called: MBD5 Haploinsufficiency; Intellectual disability, autosomal dominant 1. Identifiers: Orphanet 228402, MedGen C1969562, MONDO:0007974, OMIM 156200.

gnomAD v4.1: 6 of 1,613,844 alleles (0.00037%); highest among the groups gnomAD compares: Non-Finnish European, 0.00051%; no homozygotes.

Submissions (2):

Labcorp Genetics (formerly Invitae), Labcorp
Classification: Uncertain significance for Intellectual developmental disorder, autosomal dominant 1. Last evaluated: 2023-01-25. Review status: criteria provided, single submitter. Criteria: Invitae Variant Classification Sherloc (09022015). Collection method: clinical testing. Allele origin: germline.
Comment: In summary, the available evidence is currently insufficient to determine the role of this variant in disease. Therefore, it has been classified as a Variant of Uncertain Significance. Algorithms developed to predict the effect of missense changes on protein structure and function output the following: SIFT: "Tolerated"; PolyPhen-2: "Not Available"; Align-GVGD: "Class C0". The serine amino acid residue is found in multiple mammalian species, which suggests that this missense change does not adversely affect protein function. This variant has not been reported in the literature in individuals affected with MBD5-related conditions. This variant is not present in population databases (gnomAD no frequency). This sequence change replaces proline, which is neutral and non-polar, with serine, which is neutral and polar, at codon 1231 of the MBD5 protein (p.Pro1231Ser).

GeneDx
Classification: Uncertain significance. Last evaluated: 2022-12-22. Review status: criteria provided, single submitter. Criteria: GeneDx Variant Classification Process June 2021. Collection method: clinical testing. Allele origin: germline. Affected: yes.
Comment: Not observed at significant frequency in large population cohorts (gnomAD); In silico analysis supports that this missense variant does not alter protein structure/function; Has not been previously published as pathogenic or benign to our knowledge